The following is an entry in ClinVar:

NM_000426.4(LAMA2):c.652_653del (p.Leu218fs)

Gene: LAMA2 (laminin subunit alpha 2; plus strand). Cytogenetic location: 6q22.33.
Variant type: Deletion.
Coding change: c.652_653del on transcript NM_000426.4 (MANE Select); coding-DNA positions 652 to 653, 2 bases deleted (TT; older notation c.652_653delTT).
Protein change: p.Leu218fs; shifts the reading frame from leucine 218.
Molecular consequence: frameshift variant.
Genome position (GRCh38, 1-based): chr6:129,143,913-129,143,914, TT deleted; deleting any 2 consecutive bases within chr6:129,143,912-129,143,914 gives the same sequence; the c. name uses the placement nearest the transcript's 3' end. VCF-style (leftmost placement, unchanged base first): chr6-129143911-CTT-C. GRCh37 (hg19) VCF-style: chr6-129465056-CTT-C.
Other names: c.652_653del, p.Leu218fs (NM_001079823.2); short protein forms L218fs.
Identifiers: ClinVar variation 1074303 (VCV001074303.9), dbSNP rs2114958680, ClinGen allele CA2499218056.

ClinVar aggregate classification (germline): Pathogenic (1 of 4 stars; one submission).

Conditions:
LAMA2-related muscular dystrophy (LAMA2-RD). Also called: Laminin alpha 2-related dystrophy. Identifiers: MedGen C5679788, MONDO:0100228.

Submission:

Labcorp Genetics (formerly Invitae), Labcorp
Classification: Pathogenic for LAMA2-related muscular dystrophy. Last evaluated: 2022-02-03. Review status: criteria provided, single submitter. Criteria: Invitae Variant Classification Sherloc (09022015). Collection method: clinical testing. Allele origin: germline.
Comment: For these reasons, this variant has been classified as Pathogenic. ClinVar contains an entry for this variant (Variation ID: 1074303). This premature translational stop signal has been observed in individuals with congenital muscular dystrophy (PMID: 23326386, 32266982; Invitae). This variant is not present in population databases (gnomAD no frequency). This sequence change creates a premature translational stop signal (p.Leu218Asnfs*9) in the LAMA2 gene. It is expected to result in an absent or disrupted protein product. Loss-of-function variants in LAMA2 are known to be pathogenic (PMID: 18700894, 32904964).

Literature cited by the submitters: PubMed 23326386; PubMed 32266982; PubMed 18700894; PubMed 32904964.